The following is an entry in ClinVar:

ClinVar aggregate classification (germline): Likely benign. Review status: criteria provided, multiple submitters, no conflicts (2 of 4 stars). 4 submissions from 4 submitters: Likely benign (4). Last evaluated 2026-01-19.

Allele frequency attached by ClinVar (database versions not stated): gnomAD 0.00016 and 0.00017; TOPMed 0.00023; ExAC 0.00027; gnomAD exomes 0.00029 and 0.00044; ESP Exome Variant Server 0.00040.
gnomAD v4.1: 677 of 1,613,954 alleles (0.042%); highest among the groups gnomAD compares: Non-Finnish European, 0.052%; no homozygotes.

Submissions (4):

Labcorp Genetics (formerly Invitae), Labcorp
Classification: Likely benign. Last evaluated: 2026-01-19. Review status: criteria provided, single submitter. Criteria: Invitae Variant Classification Sherloc (09022015). Collection method: clinical testing. Allele origin: germline.

Blueprint Genetics
Classification: Likely benign. Last evaluated: 2024-10-16. Review status: criteria provided, single submitter. Criteria: ACMG Guidelines, 2015. Collection method: clinical testing. Allele origin: germline.

GeneDx
Classification: Likely benign. Last evaluated: 2021-04-09. Review status: criteria provided, single submitter. Criteria: GeneDx Variant Classification Process June 2021. Collection method: clinical testing. Allele origin: germline. Affected: yes.

Laboratory for Molecular Medicine, Mass General Brigham Personalized Medicine
Classification: Likely benign. Last evaluated: 2012-04-30. Review status: criteria provided, single submitter. Criteria: LMM Criteria. Collection method: clinical testing. Allele origin: germline. Observed: 1 variant allele.
Comment: Pro1856Pro in Exon 23 of MYO15A: This variant is not expected to have clinical s ignificance because it does not alter an amino acid residue, is not located with in the splice consensus sequence, and has been identified in 0.1% (5/6838) of Eu ropean American chromosomes from a broad population by the NHLBI Exome Sequencin g Project.

NM_016239.4(MYO15A):c.5568G>A (p.Pro1856=)

Gene: MYO15A (myosin XVA; plus strand). Cytogenetic location: 17p11.2.
Variant type: single nucleotide variant.
Coding change: c.5568G>A on transcript NM_016239.4 (MANE Select); coding-DNA position 5568, G replaced by A.
Protein change: p.Pro1856=; no amino-acid change (proline 1856 retained).
Molecular consequence: synonymous variant.
Genome position (GRCh38, 1-based): chr17:18,141,689, G>A. VCF-style: chr17-18141689-G-A. GRCh37 (hg19) VCF-style: chr17-18045003-G-A.
Identifiers: ClinVar variation 227645 (VCV000227645.15), dbSNP rs374927379, ClinGen allele CA8424331.
Genomic context (GRCh38, chr17:18,141,689, plus strand): 5'-GACTAACTTTGGGCCCCCTACCAGGTACTGCTGTCTAGTGGCCCTCAAGCATGACCTGCC[G>A]GCTAATGGGGACATGTGTGTGTCAGTGCTGAGTCGCCTGTGCAAAGTCATGCCAAACATG-3'
Protein context (NP_057323.3, residues 1846-1866): CCLVALKHDL[Pro1856=]ANGDMCVSVL